The following is an entry in ClinVar:

ClinVar aggregate classification (germline): Pathogenic (1 of 4 stars; one submission).

Conditions:
Polycystic kidney disease, adult type (PKD1). Also called: Polycystic Kidney, Autosomal Dominant; POLYCYSTIC KIDNEY DISEASE 1 WITH OR WITHOUT POLYCYSTIC LIVER DISEASE; Polycystic Kidney Disease 1, Autosomal Dominant; Polycystic kidney disease 1; Polycystic kidney disease 1, severe; POLYCYSTIC KIDNEY DISEASE, ADULT, TYPE I. Identifiers: MedGen C3149841, MONDO:0008263, OMIM 173900.

Submission:

MVZ Medizinische Genetik Mainz
Classification: Pathogenic for Polycystic kidney disease, adult type. Last evaluated: 2023-02-16. Review status: criteria provided, single submitter. Criteria: UK Practice Guidelines For Variant Classification V4 01 2020. Collection method: clinical testing. Allele origin: germline. Inheritance: Autosomal dominant inheritance. Affected: yes. Observed: 1 variant allele.
Comment: ACMG Criteria: PVS1, PM2_SUP, PP4

NM_001009944.3(PKD1):c.10846_10847dup (p.Leu3617fs)

Genes: PKD1 (polycystin 1, transient receptor potential channel interacting; minus strand), PKD1-AS1 (PKD1 antisense RNA 1; plus strand). Cytogenetic location: 16p13.3.
Variant type: Microsatellite.
Coding change: c.10846_10847dup on transcript NM_001009944.3 (MANE Select); coding-DNA positions 10846 to 10847, 2 bases duplicated (TC; older notation c.10846_10847dupTC).
Protein change: p.Leu3617fs; shifts the reading frame from leucine 3617.
Molecular consequence: frameshift variant.
Genome position (GRCh38, 1-based): chr16:2,093,713-2,093,714, GA duplicated on the plus strand (TC on the coding strand, the reverse complement: PKD1 is on the minus strand); duplicating any 2 consecutive bases within chr16:2,093,713-2,093,716 gives the same sequence; the c. name uses the placement nearest the transcript's 3' end. VCF-style (leftmost placement, unchanged base first): chr16-2093712-T-TGA. GRCh37 (hg19) VCF-style: chr16-2143713-T-TGA.
Other names: c.10843_10844dup, p.Leu3616fs (NM_000296.4); short protein forms L3616fs, L3617fs.
Identifiers: ClinVar variation 3068361 (VCV003068361.1), dbSNP rs2544648514, ClinGen allele CA2825002355.